The following is an entry in ClinVar:

NM_001127222.2(CACNA1A):c.7365C>A (p.Pro2455=)

Gene: CACNA1A (calcium voltage-gated channel subunit alpha1 A; minus strand). Cytogenetic location: 19p13.13.
Variant type: single nucleotide variant.
Coding change: c.7365C>A on transcript NM_001127222.2 (MANE Select); coding-DNA position 7365, C replaced by A.
Protein change: p.Pro2455=; no amino-acid change (proline 2455 retained).
Molecular consequence: synonymous variant. On other transcripts: 3 prime UTR variant (3).
Genome position (GRCh38, 1-based): chr19:13,207,469, G>T on the plus strand (C>A on the coding strand, the complement: CACNA1A is on the minus strand). VCF-style: chr19-13207469-G-T. GRCh37 (hg19) VCF-style: chr19-13318283-G-T.
Other names: c.*577C>A (NM_000068.4, NM_001127221.2, NM_001174080.2); c.7383C>A, p.Pro2461= (NM_023035.3).
Identifiers: ClinVar variation 382731 (VCV000382731.4), dbSNP rs16057, ClinGen allele CA9239180.

ClinVar aggregate classification (germline): Benign. Review status: criteria provided, multiple submitters, no conflicts (2 of 4 stars). 3 submissions from 3 submitters: Benign (3). Last evaluated 2024-01-11.

Allele frequency attached by ClinVar (database versions not stated): gnomAD exomes 0.00331 and 0.00504; ExAC 0.00574; gnomAD 0.03781 and 0.04042; TOPMed 0.04111; 1000 Genomes Project 0.04752; 1000 Genomes Project 30x 0.05153.
gnomAD v4.1: 10,324 of 1,479,534 alleles (0.7%); highest among the groups gnomAD compares: African/African-American, 13%; 634 homozygotes.

Submissions (3):

Athena Diagnostics
Classification: Benign. Last evaluated: 2024-01-11. Review status: criteria provided, single submitter. Criteria: Athena Diagnostics Criteria. Collection method: clinical testing. Allele origin: unknown.

GeneDx
Classification: Benign. Last evaluated: 2016-01-12. Review status: criteria provided, single submitter. Criteria: GeneDx Variant Classification (06012015). Collection method: clinical testing. Allele origin: germline. Affected: yes.
Comment: This variant is considered likely benign or benign based on one or more of the following criteria: it is a conservative change, it occurs at a poorly conserved position in the protein, it is predicted to be benign by multiple in silico algorithms, and/or has population frequency not consistent with disease.

Breakthrough Genomics
Classification: Benign. Review status: criteria provided, single submitter. Criteria: ACMG Guidelines, 2015. Collection method: not provided. Allele origin: germline. Inheritance: Autosomal dominant inheritance. Affected: yes.